The following is an entry in ClinVar:

ClinVar aggregate classification (germline): Likely benign. Review status: criteria provided, multiple submitters, no conflicts (2 of 4 stars). 2 submissions from 2 submitters: Likely benign (2). Last evaluated 2025-12-18.

Conditions:
Tuberous sclerosis 1 (TSC1). Identifiers: Orphanet 805, MedGen C1854465, MONDO:0008612, OMIM 191100.

Allele frequency attached by ClinVar (database versions not stated): gnomAD exomes below 0.00001; gnomAD 0.00001; TOPMed 0.00002.

Submissions (2):

Labcorp Genetics (formerly Invitae), Labcorp
Classification: Likely benign for Tuberous sclerosis 1. Last evaluated: 2025-12-18. Review status: criteria provided, single submitter. Criteria: Invitae Variant Classification Sherloc (09022015). Collection method: clinical testing. Allele origin: germline.

Myriad Genetics, Inc.
Classification: Likely benign for Tuberous sclerosis 1. Last evaluated: 2025-04-08. Review status: criteria provided, single submitter. Criteria: Myriad Autosomal Dominant, Autosomal Recessive and X-Linked Classification Criteria (2023). Collection method: clinical testing. Allele origin: unknown.
Comment: This variant is considered likely benign. This variant is intronic and is not expected to impact mRNA splicing.

NM_000368.5(TSC1):c.509-18A>G

Gene: TSC1 (TSC complex subunit 1; minus strand). Cytogenetic location: 9q34.13.
Variant type: single nucleotide variant.
Coding change: c.509-18A>G on transcript NM_000368.5 (MANE Select); 18 bases into the intron before coding-DNA position 509, A replaced by G.
Molecular consequence: intron variant.
Genome position (GRCh38, 1-based): chr9:132,921,991, T>C on the plus strand (A>G on the coding strand, the complement: TSC1 is on the minus strand). VCF-style: chr9-132921991-T-C. GRCh37 (hg19) VCF-style: chr9-135797378-T-C.
Other names: c.146-18A>G (NM_001362177.2); c.356-18A>G (NM_001162427.2); c.509-18A>G (NM_001162426.2).
Identifiers: ClinVar variation 1494570 (VCV001494570.9), dbSNP rs953918061, ClinGen allele CA200901219.